The following is an entry in ClinVar:

ClinVar aggregate classification (germline): Uncertain significance. Review status: criteria provided, multiple submitters, no conflicts (2 of 4 stars). 3 submissions from 3 submitters: Uncertain significance (3). Last evaluated 2025-03-31.

Conditions:
Inborn genetic diseases. Identifiers: MedGen C0950123, MeSH D030342.
Rothmund-Thomson syndrome type 2 (RTS2). Identifiers: Orphanet 221016, MedGen C5203410, MONDO:0016369, OMIM 268400.
Baller-Gerold syndrome (BGS). Also called: CRANIOSYNOSTOSIS WITH RADIAL DEFECTS. Identifiers: Orphanet 1225, MedGen C0265308, MONDO:0009039, OMIM 218600.

Allele frequency attached by ClinVar (database versions not stated): gnomAD exomes below 0.00001; ExAC 0.00001; gnomAD 0.00003; TOPMed 0.00004.
gnomAD v4.1: 8 of 1,609,280 alleles (0.0005%); highest among the groups gnomAD compares: Non-Finnish European, 0.00068%; no homozygotes.

Submissions (3):

Ambry Genetics
Classification: Uncertain significance for Inborn genetic diseases. Last evaluated: 2025-03-31. Review status: criteria provided, single submitter. Criteria: Ambry Variant Classification Scheme 2023. Collection method: clinical testing. Allele origin: germline.

Labcorp Genetics (formerly Invitae), Labcorp
Classification: Uncertain significance for Baller-Gerold syndrome. Last evaluated: 2023-05-31. Review status: criteria provided, single submitter. Criteria: Invitae Variant Classification Sherloc (09022015). Collection method: clinical testing. Allele origin: germline.
Comment: Algorithms developed to predict the effect of sequence changes on RNA splicing suggest that this variant may disrupt the consensus splice site. In summary, the available evidence is currently insufficient to determine the role of this variant in disease. Therefore, it has been classified as a Variant of Uncertain Significance. Experimental studies and prediction algorithms are not available or were not evaluated, and the functional significance of this variant is currently unknown. This sequence change replaces serine, which is neutral and polar, with cysteine, which is neutral and slightly polar, at codon 234 of the RECQL4 protein (p.Ser234Cys). This variant is present in population databases (rs746487281, gnomAD 0.002%). This variant has not been reported in the literature in individuals affected with RECQL4-related conditions. ClinVar contains an entry for this variant (Variation ID: 459512).

St. Jude Molecular Pathology, St. Jude Children's Research Hospital
Classification: Uncertain significance for Rothmund-Thomson syndrome type 2. Last evaluated: 2023-02-21. Review status: criteria provided, single submitter. Criteria: St. Jude Assertion Criteria 2020. Collection method: clinical testing. Allele origin: germline.
Comment: The RECQL4 c.701C>G (p.Ser234Cys) missense change has a maximum subpopulation frequency of 0.0016% in gnomAD v2.1.1. In silico tools predict a benign effect of this variant on protein function, but to our knowledge functional studies have not been performed. To our knowledge, this variant has not been reported in individuals with RECQL4-associated conditions. In summary, the evidence currently available is insufficient to determine the clinical significance of this variant. It has therefore been classified as of uncertain significance.

NM_004260.4(RECQL4):c.701C>G (p.Ser234Cys)

Gene: RECQL4 (RecQ like helicase 4; minus strand). Cytogenetic location: 8q24.3.
Variant type: single nucleotide variant.
Coding change: c.701C>G on transcript NM_004260.4 (MANE Select); coding-DNA position 701, C replaced by G.
Protein change: p.Ser234Cys; replaces serine 234 with cysteine.
Molecular consequence: missense variant.
Genome position (GRCh38, 1-based): chr8:144,516,418, G>C on the plus strand (C>G on the coding strand, the complement: RECQL4 is on the minus strand). VCF-style: chr8-144516418-G-C. GRCh37 (hg19) VCF-style: chr8-145741802-G-C.
Other names: short protein forms S234C.
Identifiers: ClinVar variation 459512 (VCV000459512.7), dbSNP rs746487281, ClinGen allele CA4949202.